The following is an entry in ClinVar:

NM_001918.5(DBT):c.917C>G (p.Ser306Cys)

Gene: DBT (dihydrolipoamide branched chain transacylase E2; minus strand). Cytogenetic location: 1p21.2.
Variant type: single nucleotide variant.
Coding change: c.917C>G on transcript NM_001918.5 (MANE Select); coding-DNA position 917, C replaced by G.
Protein change: p.Ser306Cys; replaces serine 306 with cysteine.
Molecular consequence: missense variant.
Genome position (GRCh38, 1-based): chr1:100,214,839, G>C on the plus strand (C>G on the coding strand, the complement: DBT is on the minus strand). VCF-style: chr1-100214839-G-C. GRCh37 (hg19) VCF-style: chr1-100680395-G-C.
Other names: short protein forms S306C.
Identifiers: ClinVar variation 198475 (VCV000198475.9), dbSNP rs794727856, ClinGen allele CA247142.

ClinVar aggregate classification (germline): Conflicting classifications of pathogenicity. Review status: criteria provided, conflicting classifications (1 of 4 stars). 3 submissions from 3 submitters: Likely pathogenic (1); Uncertain significance (2). Last evaluated 2025-11-24.

Conditions:
Maple syrup urine disease (MSUD). Identifiers: Orphanet 511, MedGen C0024776, MeSH D008375, MONDO:0009563. Disease mechanism: loss of function.

Submissions (3):

Women's Health and Genetics/Laboratory Corporation of America, LabCorp
Classification: Uncertain significance. Last evaluated: 2025-11-24. Review status: criteria provided, single submitter. Criteria: LabCorp Variant Classification Summary - May 2015. Collection method: clinical testing. Allele origin: germline.
Comment: Variant summary: DBT c.917C>G (p.Ser306Cys) results in a non-conservative amino acid change located in the catalytic domain (IPR001078) of the encoded protein sequence. Algorithms developed to predict the effect of missense changes on protein structure and function all suggest that this variant is likely to be disruptive. The variant was absent in 251458 control chromosomes (gnomAD). The available data on variant occurrences in the general population are insufficient to allow any conclusion about variant significance. To our knowledge, no occurrence of c.917C>G in individuals affected with DBT-related conditions and no experimental evidence demonstrating its impact on protein function have been reported. A different variant affecting the same codon has been classified as pathogenic by our lab (c.916T>C, p.Ser306Pro), supporting the critical relevance of codon 306 to DBT protein function. ClinVar contains an entry for this variant (Variation ID: 198475). Based on the evidence outlined above, the variant was classified as uncertain significance.

Labcorp Genetics (formerly Invitae), Labcorp
Classification: Likely pathogenic for Maple syrup urine disease. Last evaluated: 2023-04-23. Review status: criteria provided, single submitter. Criteria: Invitae Variant Classification Sherloc (09022015). Collection method: clinical testing. Allele origin: germline.
Comment: This sequence change replaces serine, which is neutral and polar, with cysteine, which is neutral and slightly polar, at codon 306 of the DBT protein (p.Ser306Cys). In summary, the currently available evidence indicates that the variant is pathogenic, but additional data are needed to prove that conclusively. Therefore, this variant has been classified as Likely Pathogenic. This variant disrupts the p.Ser306 amino acid residue in DBT. Other variant(s) that disrupt this residue have been determined to be pathogenic (PMID: 31980395; Invitae). This suggests that this residue is clinically significant, and that variants that disrupt this residue are likely to be disease-causing. Advanced modeling of protein sequence and biophysical properties (such as structural, functional, and spatial information, amino acid conservation, physicochemical variation, residue mobility, and thermodynamic stability) performed at Invitae indicates that this missense variant is expected to disrupt DBT protein function. ClinVar contains an entry for this variant (Variation ID: 198475). This variant has not been reported in the literature in individuals affected with DBT-related conditions. This variant is not present in population databases (gnomAD no frequency).

Eurofins Ntd Llc (ga)
Classification: Uncertain significance. Last evaluated: 2014-08-26. Review status: criteria provided, single submitter. Criteria: EGL Classification Definitions 2015. Collection method: clinical testing. Allele origin: germline. Observed: 1 variant allele, 1 heterozygote.

Literature cited by the submitters: PubMed 31980395 (cited by Labcorp Genetics (formerly Invitae), Labcorp).